The following is an entry in ClinVar:

ClinVar aggregate classification (germline): Pathogenic (1 of 4 stars; one submission).

Submission:

GeneDx
Classification: Pathogenic. Last evaluated: 2025-09-23. Review status: criteria provided, single submitter. Criteria: GeneDx Variant Classification Process June 2021. Collection method: clinical testing. Allele origin: germline.
Comment: Nonsense variant predicted to result in protein truncation or nonsense mediated decay in a gene for which loss of function is a known mechanism of disease; Not observed at significant frequency in large population cohorts (gnomAD); This variant is associated with the following publications: (PMID: 24503206)

NM_001399.5(EDA):c.739C>T (p.Gln247Ter)

Gene: EDA (ectodysplasin A; plus strand). Cytogenetic location: Xq13.1.
Variant type: single nucleotide variant.
Coding change: c.739C>T on transcript NM_001399.5 (MANE Select); coding-DNA position 739, C replaced by T.
Protein change: p.Gln247Ter; replaces glutamine 247 with a stop codon.
Molecular consequence: nonsense.
Genome position (GRCh38, 1-based): chrX:70,029,536, C>T. VCF-style: chrX-70029536-C-T. GRCh37 (hg19) VCF-style: chrX-69249386-C-T.
Other names: c.739C>T, p.Gln247Ter (NM_001005609.2, NM_001005612.3); short protein forms Q247*.
Identifiers: ClinVar variation 3252812 (VCV003252812.2), dbSNP rs2520337597.